The following is an entry in ClinVar:

ClinVar aggregate classification (germline): Likely benign. Review status: criteria provided, multiple submitters, no conflicts (2 of 4 stars). 2 submissions from 2 submitters: Likely benign (2). Last evaluated 2026-01-26.

Conditions:
FOXC1-related disorder. Also called: FOXC1-related condition.

Submissions (2):

PreventionGenetics, part of Exact Sciences
Classification: Likely benign for FOXC1-related condition. Last evaluated: 2026-01-26. Review status: criteria provided, single submitter. Criteria: ACMG Guidelines, 2015. Collection method: clinical testing. Allele origin: germline.
Comment: This variant is classified as likely benign based on ACMG/AMP sequence variant interpretation guidelines (Richards et al. 2015 PMID: 25741868, with internal and published modifications).

Blueprint Genetics
Classification: Likely benign. Last evaluated: 2024-08-07. Review status: criteria provided, single submitter. Criteria: ACMG Guidelines, 2015. Collection method: clinical testing. Allele origin: germline.

NM_001453.3(FOXC1):c.-421C>G

Genes: FOXC1 (forkhead box C1; plus strand), LOC129995600 (ATAC-STARR-seq lymphoblastoid silent region 16824; plus strand). Cytogenetic location: 6p25.3.
Variant type: single nucleotide variant.
Coding change: c.-421C>G on transcript NM_001453.3 (MANE Select); 421 bases upstream of the start codon, C replaced by G.
Molecular consequence: 5 prime UTR variant.
Genome position (GRCh38, 1-based): chr6:1,610,025, C>G. VCF-style: chr6-1610025-C-G. GRCh37 (hg19) VCF-style: chr6-1610260-C-G.
Identifiers: ClinVar variation 4973464 (VCV004973464.2).
Genomic context (GRCh38, chr6:1,610,025, plus strand): 5'-GAGAGACCGAGAAAAGGTGACGCGGGGCCCGGGCAGGCGGCCGGCGCGCGGCCCCCCCCC[C>G]CCCCGCCCTGGTTATTTGGCCGCCTTCGCCGGCAGCTCAGGGCAGAGTCTCCTGGAAGGC-3'